The following is an entry in ClinVar:

ClinVar aggregate classification (germline): Uncertain significance (1 of 4 stars; one submission).

Conditions:
Severe combined immunodeficiency, autosomal recessive, T cell-negative, B cell-negative, NK cell-positive. Also called: SCID, T CELL-NEGATIVE, B CELL-NEGATIVE, NK CELL-POSITIVE; SCID, AR, T-cell negative, B-cell negative, NK cell-positive; Severe combined immunodeficiency due to complete RAG1/2 deficiency. Identifiers: Orphanet 331206, MedGen C1832322, MONDO:0011086, OMIM 601457.
Combined immunodeficiency with skin granulomas. Identifiers: Orphanet 157949, MedGen C2673536, MONDO:0009306, OMIM 233650.

Allele frequency attached by ClinVar (database versions not stated): gnomAD exomes below 0.00001.
gnomAD v4.1: 1 of 1,613,614 alleles (0.000062%); highest among the groups gnomAD compares: Non-Finnish European, 0.000085%; no homozygotes.

Submission:

Labcorp Genetics (formerly Invitae), Labcorp
Classification: Uncertain significance for Combined immunodeficiency with skin granulomas; Severe combined immunodeficiency, autosomal recessive, T cell-negative, B cell-negative, NK cell-positive. Last evaluated: 2025-05-02. Review status: criteria provided, single submitter. Criteria: Invitae Variant Classification Sherloc (09022015). Collection method: clinical testing. Allele origin: germline.
Comment: This sequence change replaces serine, which is neutral and polar, with alanine, which is neutral and non-polar, at codon 601 of the RAG1 protein (p.Ser601Ala). This variant is not present in population databases (gnomAD no frequency). This variant has not been reported in the literature in individuals affected with RAG1-related conditions. ClinVar contains an entry for this variant (Variation ID: 950254). Invitae Evidence Modeling of protein sequence and biophysical properties (such as structural, functional, and spatial information, amino acid conservation, physicochemical variation, residue mobility, and thermodynamic stability) has been performed for this missense variant. However, the output from this modeling did not meet the statistical confidence thresholds required to predict the impact of this variant on RAG1 protein function. In summary, the available evidence is currently insufficient to determine the role of this variant in disease. Therefore, it has been classified as a Variant of Uncertain Significance.

NM_000448.3(RAG1):c.1801T>G (p.Ser601Ala)

Gene: RAG1 (recombination activating 1; plus strand). Cytogenetic location: 11p12.
Variant type: single nucleotide variant.
Coding change: c.1801T>G on transcript NM_000448.3 (MANE Select); coding-DNA position 1801, T replaced by G.
Protein change: p.Ser601Ala; replaces serine 601 with alanine.
Molecular consequence: missense variant.
Genome position (GRCh38, 1-based): chr11:36,575,105, T>G. VCF-style: chr11-36575105-T-G. GRCh37 (hg19) VCF-style: chr11-36596655-T-G.
Other names: c.1801T>G, p.Ser601Ala (NM_001377277.1, NM_001377278.1, NM_001377279.1 and 1 more transcripts); short protein forms S601A.
Identifiers: ClinVar variation 950254 (VCV000950254.8), dbSNP rs145951370, ClinGen allele CA380153325.